The following is an entry in ClinVar:

NM_024649.5(BBS1):c.795G>A (p.Ala265=)

Genes: BBS1 (Bardet-Biedl syndrome 1; plus strand), ZDHHC24 (zDHHC palmitoyltransferase 24; minus strand). Cytogenetic location: 11q13.2.
Variant type: single nucleotide variant.
Coding change: c.795G>A on transcript NM_024649.5 (MANE Select); coding-DNA position 795, G replaced by A.
Protein change: p.Ala265=; no amino-acid change (alanine 265 retained).
Molecular consequence: synonymous variant. On other transcripts: 3 prime UTR variant (1).
Genome position (GRCh38, 1-based): chr11:66,521,341, G>A. VCF-style: chr11-66521341-G-A. GRCh37 (hg19) VCF-style: chr11-66288812-G-A.
Other names: c.*147C>T (NM_001348571.2).
Identifiers: ClinVar variation 1409442 (VCV001409442.9), dbSNP rs550508776, ClinGen allele CA475369898.

ClinVar aggregate classification (germline): Likely benign. Review status: criteria provided, multiple submitters, no conflicts (2 of 4 stars). 2 submissions from 2 submitters: Likely benign (2). Last evaluated 2026-01-28.

Conditions:
BBS1-related disorder. Also called: BBS1-related condition.
Bardet-Biedl syndrome (BBS). Identifiers: Orphanet 110, MedGen C0752166, MONDO:0015229.

Allele frequency attached by ClinVar (database versions not stated): gnomAD 0.00001; gnomAD exomes 0.00001; TOPMed below 0.00001.
gnomAD v4.1: 14 of 1,614,068 alleles (0.00087%); highest among the groups gnomAD compares: East Asian, 0.0067%; no homozygotes.

Submissions (2):

Labcorp Genetics (formerly Invitae), Labcorp
Classification: Likely benign for Bardet-Biedl syndrome. Last evaluated: 2026-01-28. Review status: criteria provided, single submitter. Criteria: Invitae Variant Classification Sherloc (09022015). Collection method: clinical testing. Allele origin: germline.

PreventionGenetics, part of Exact Sciences
Classification: Likely benign for BBS1-related condition. Last evaluated: 2025-08-13. Review status: criteria provided, single submitter. Criteria: ACMG Guidelines, 2015. Collection method: clinical testing. Allele origin: germline.
Comment: This variant is classified as likely benign based on ACMG/AMP sequence variant interpretation guidelines (Richards et al. 2015 PMID: 25741868, with internal and published modifications).